The following is an entry in ClinVar:

ClinVar aggregate classification (germline): Conflicting classifications of pathogenicity. Review status: criteria provided, conflicting classifications (1 of 4 stars). 5 submissions from 5 submitters: Uncertain significance (1); Likely benign (3). 1 of the submissions does not count toward it. Last evaluated 2026-01-06.

Conditions:
CEP164-related disorder. Also called: CEP164-related condition.
Inborn genetic diseases. Identifiers: MedGen C0950123, MeSH D030342.
Nephronophthisis 15 (NPHP15). Identifiers: Orphanet 3156, MedGen C3541853, MONDO:0013917, OMIM 614845.

Allele frequency attached by ClinVar (database versions not stated): gnomAD exomes 0.00025 and 0.00049; ExAC 0.00056; 1000 Genomes Project 0.00200; 1000 Genomes Project 30x 0.00203; gnomAD 0.00224 and 0.00242; ESP Exome Variant Server 0.00239; TOPMed 0.00265.
gnomAD v4.1: 729 of 1,611,634 alleles (0.045%); highest among the groups gnomAD compares: African/African-American, 0.79%; 3 homozygotes.

Submissions (5):

Labcorp Genetics (formerly Invitae), Labcorp
Classification: Likely benign for Nephronophthisis 15. Last evaluated: 2026-01-06. Review status: criteria provided, single submitter. Criteria: Invitae Variant Classification Sherloc (09022015). Collection method: clinical testing. Allele origin: germline.

Blueprint Genetics
Classification: Likely benign. Last evaluated: 2024-11-11. Review status: criteria provided, single submitter. Criteria: ACMG Guidelines, 2015. Collection method: clinical testing. Allele origin: germline.

Ambry Genetics
Classification: Uncertain significance for Inborn genetic diseases. Last evaluated: 2023-06-16. Review status: criteria provided, single submitter. Criteria: Ambry Variant Classification Scheme 2023. Collection method: clinical testing. Allele origin: germline.

Breakthrough Genomics
Classification: Likely benign. Review status: criteria provided, single submitter. Criteria: ACMG Guidelines, 2015. Collection method: not provided. Allele origin: germline. Inheritance: Autosomal recessive inheritance. Affected: yes.

PreventionGenetics, part of Exact Sciences
Classification: Likely benign for CEP164-related condition. Last evaluated: 2020-03-17. Review status: no assertion criteria provided. Collection method: clinical testing. Allele origin: germline. Not counted in ClinVar's aggregate classification.
Comment: This variant is classified as likely benign based on ACMG/AMP sequence variant interpretation guidelines (Richards et al. 2015 PMID: 25741868, with internal and published modifications).

NM_014956.5(CEP164):c.3496G>C (p.Glu1166Gln)

Gene: CEP164 (centrosomal protein 164; plus strand). Cytogenetic location: 11q23.3.
Variant type: single nucleotide variant.
Coding change: c.3496G>C on transcript NM_014956.5 (MANE Select); coding-DNA position 3496, G replaced by C.
Protein change: p.Glu1166Gln; replaces glutamic acid 1166 with glutamine.
Molecular consequence: missense variant.
Genome position (GRCh38, 1-based): chr11:117,397,308, G>C. VCF-style: chr11-117397308-G-C. GRCh37 (hg19) VCF-style: chr11-117268024-G-C.
Other names: c.3505G>C, p.Glu1169Gln (NM_001271933.2); short protein forms E1169Q, E1166Q.
Identifiers: ClinVar variation 707383 (VCV000707383.16), dbSNP rs61745877, ClinGen allele CA6295465.
Genomic context (GRCh38, chr11:117,397,308, plus strand): 5'-CAGGAGGTGGCCAAAGACCCACCAGGCATCAAGGCCCTGGAAGATATGCGCAAGAACCTG[G>C]AGAAGGTCAGGAGCTTTGGGAAGGGCCTGCCAGCCCTGTGTGGGGGAGGCGGGGGGAGTC-3'
Protein context (NP_055771.4, residues 1156-1176): KALEDMRKNL[Glu1166Gln]KETRHLDEMK